The following is an entry in ClinVar:

ClinVar aggregate classification (germline): Uncertain significance (1 of 4 stars; one submission).

Conditions:
Hereditary cancer-predisposing syndrome. Also called: Neoplastic Syndromes, Hereditary; Tumor predisposition; Hereditary Cancer Syndrome; Hereditary neoplastic syndrome. Identifiers: Orphanet 140162, MedGen C0027672, MeSH D009386, MONDO:0015356.

Submission:

Ambry Genetics
Classification: Uncertain significance for Hereditary cancer-predisposing syndrome. Last evaluated: 2026-02-03. Review status: criteria provided, single submitter. Criteria: Ambry Variant Classification Scheme 2023. Collection method: clinical testing. Allele origin: germline.
Comment: The c.-4C>G variant is located in the 5' untranslated region (5&rsquo; UTR) of the MEN1 gene. This variant results from a C to G substitution 4 bases upstream from the first translated codon. This nucleotide position is highly conserved in available vertebrate species. Based on the available evidence, the clinical significance of this variant remains unclear.

NM_001370259.2(MEN1):c.-4C>G

Gene: MEN1 (menin 1; minus strand). Cytogenetic location: 11q13.1.
Variant type: single nucleotide variant.
Coding change: c.-4C>G on transcript NM_001370259.2 (MANE Select); 4 bases upstream of the start codon, C replaced by G.
Molecular consequence: 5 prime UTR variant. On other transcripts: non-coding transcript variant (4).
Genome position (GRCh38, 1-based): chr11:64,810,113, G>C on the plus strand (C>G on the coding strand, the complement: MEN1 is on the minus strand). VCF-style: chr11-64810113-G-C. GRCh37 (hg19) VCF-style: chr11-64577585-G-C.
Other names: c.-4C>G (NM_000244.4, NM_001370251.2, NM_001370260.2 and 20 more transcripts).
Identifiers: ClinVar variation 4826638 (VCV004826638.1).
Genomic context (GRCh38, chr11:64,810,113, plus strand): 5'-CACGTCGTCGATGGAGCGCAGCGGGAACAGCGTCTTCTGGGCGGCCTTCAGCCCCATGGC[G>C]GCGGGCGGTGGGCGGCGGCCTGCAAGGCAAGCCGGGGGAGGGAGGGTCGGGCAGGTTCGG-3'